The following is an entry in ClinVar:

ClinVar aggregate classification (germline): Pathogenic (1 of 4 stars; one submission).

Conditions:
Hypertrophic cardiomyopathy. Also called: HYPERTROPHIC MYOCARDIOPATHY. Identifiers: Orphanet 217569, MedGen C0007194, MeSH D002312, MONDO:0005045, HP:0001639.

Submission:

Labcorp Genetics (formerly Invitae), Labcorp
Classification: Pathogenic for Hypertrophic cardiomyopathy. Last evaluated: 2024-06-30. Review status: criteria provided, single submitter. Criteria: Invitae Variant Classification Sherloc (09022015). Collection method: clinical testing. Allele origin: germline.
Comment: This sequence change creates a premature translational stop signal (p.Ala946Hisfs*17) in the MYBPC3 gene. It is expected to result in an absent or disrupted protein product. Loss-of-function variants in MYBPC3 are known to be pathogenic (PMID: 19574547). This variant is not present in population databases (gnomAD no frequency). This variant has not been reported in the literature in individuals affected with MYBPC3-related conditions. For these reasons, this variant has been classified as Pathogenic.

Literature cited by the submitters: PubMed 19574547.

NM_000256.3(MYBPC3):c.2836del (p.Ala946fs)

Gene: MYBPC3 (myosin binding protein C3; minus strand). Cytogenetic location: 11p11.2.
Variant type: Deletion.
Coding change: c.2836del on transcript NM_000256.3 (MANE Select); coding-DNA position 2836, one base deleted (G; older notation c.2836delG).
Protein change: p.Ala946fs; shifts the reading frame from alanine 946.
Molecular consequence: frameshift variant.
Genome position (GRCh38, 1-based): chr11:47,335,111, C deleted on the plus strand (G on the coding strand, the reverse complement: MYBPC3 is on the minus strand); the first of 3 consecutive C bases (chr11:47,335,111-47,335,113); deleting any one gives the same sequence. VCF-style (leftmost placement, unchanged base first): chr11-47335110-GC-G. GRCh37 (hg19) VCF-style: chr11-47356661-GC-G.
Other names: short protein forms A946fs.
Identifiers: ClinVar variation 3658271 (VCV003658271.2).